The following is an entry in ClinVar:

ClinVar aggregate classification (germline): Uncertain significance (1 of 4 stars; one submission).

Submission:

Labcorp Genetics (formerly Invitae), Labcorp
Classification: Uncertain significance. Last evaluated: 2023-09-22. Review status: criteria provided, single submitter. Criteria: Invitae Variant Classification Sherloc (09022015). Collection method: clinical testing. Allele origin: germline.
Comment: In summary, the available evidence is currently insufficient to determine the role of this variant in disease. Therefore, it has been classified as a Variant of Uncertain Significance. Advanced modeling of protein sequence and biophysical properties (such as structural, functional, and spatial information, amino acid conservation, physicochemical variation, residue mobility, and thermodynamic stability) has been performed at Invitae for this missense variant, however the output from this modeling did not meet the statistical confidence thresholds required to predict the impact of this variant on NFKB1 protein function. This variant has not been reported in the literature in individuals affected with NFKB1-related conditions. This variant is not present in population databases (gnomAD no frequency). This sequence change replaces glycine, which is neutral and non-polar, with glutamic acid, which is acidic and polar, at codon 675 of the NFKB1 protein (p.Gly675Glu).

NM_003998.4(NFKB1):c.2024G>A (p.Gly675Glu)

Gene: NFKB1 (nuclear factor kappa B subunit 1; plus strand). Cytogenetic location: 4q24.
Variant type: single nucleotide variant.
Coding change: c.2024G>A on transcript NM_003998.4 (MANE Select); coding-DNA position 2024, G replaced by A.
Protein change: p.Gly675Glu; replaces glycine 675 with glutamic acid.
Molecular consequence: missense variant.
Genome position (GRCh38, 1-based): chr4:102,607,219, G>A. VCF-style: chr4-102607219-G-A. GRCh37 (hg19) VCF-style: chr4-103528376-G-A.
Other names: c.2021G>A, p.Gly674Glu (NM_001165412.2, NM_001319226.2, NM_001382627.1); c.2024G>A, p.Gly675Glu (NM_001382625.1, NM_001382626.1); c.1982G>A, p.Gly661Glu (NM_001382628.1); short protein forms G674E, G675E, G661E.
Identifiers: ClinVar variation 2762095 (VCV002762095.3), dbSNP rs2476543644, ClinGen allele CA357752418.